The following is an entry in ClinVar:

NM_020812.4(DOCK6):c.5181C>T (p.His1727=)

Genes: DOCK6 (dedicator of cytokinesis 6; minus strand), DOCK6-AS1 (DOCK6 antisense RNA 1; plus strand). Cytogenetic location: 19p13.2.
Variant type: single nucleotide variant.
Coding change: c.5181C>T on transcript NM_020812.4 (MANE Select); coding-DNA position 5181, C replaced by T.
Protein change: p.His1727=; no amino-acid change (histidine 1727 retained).
Molecular consequence: synonymous variant.
Genome position (GRCh38, 1-based): chr19:11,204,239, G>A on the plus strand (C>T on the coding strand, the complement: DOCK6 is on the minus strand). VCF-style: chr19-11204239-G-A. GRCh37 (hg19) VCF-style: chr19-11314915-G-A.
Other names: c.5286C>T, p.His1762= (NM_001367830.1).
Identifiers: ClinVar variation 1943519 (VCV001943519.29), dbSNP rs1387308109, ClinGen allele CA505491829.

ClinVar aggregate classification (germline): Likely benign. Review status: criteria provided, multiple submitters, no conflicts (2 of 4 stars). 2 submissions from 2 submitters: Likely benign (2). Last evaluated 2024-11-06.

Allele frequency attached by ClinVar (database versions not stated): gnomAD exomes below 0.00001; gnomAD 0.00001; TOPMed 0.00002.
gnomAD v4.1: 7 of 1,582,936 alleles (0.00044%); highest among the groups gnomAD compares: East Asian, 0.0023%; no homozygotes.

Submissions (2):

Labcorp Genetics (formerly Invitae), Labcorp
Classification: Likely benign. Last evaluated: 2024-11-06. Review status: criteria provided, single submitter. Criteria: Invitae Variant Classification Sherloc (09022015). Collection method: clinical testing. Allele origin: germline.

CeGaT Center for Human Genetics Tuebingen
Classification: Likely benign. Last evaluated: 2023-04-01. Review status: criteria provided, single submitter. Criteria: CeGaT Center For Human Genetics Tuebingen Variant Classification Criteria Version 2. Collection method: clinical testing. Allele origin: germline. Affected: yes. Observed: 1 variant allele.
Comment: DOCK6: BP4, BP7